The following is an entry in ClinVar:

ClinVar aggregate classification (germline): Uncertain significance (1 of 4 stars; one submission).

Conditions:
Epileptic encephalopathy. Identifiers: MedGen C0543888, HP:0200134.

Submission:

Labcorp Genetics (formerly Invitae), Labcorp
Classification: Uncertain significance for Epileptic encephalopathy. Last evaluated: 2019-05-25. Review status: criteria provided, single submitter. Criteria: Invitae Variant Classification Sherloc (09022015). Collection method: clinical testing. Allele origin: germline.
Comment: This sequence change replaces glutamic acid with lysine at codon 3598 of the RYR3 protein (p.Glu3598Lys). The glutamic acid residue is moderately conserved and there is a small physicochemical difference between glutamic acid and lysine. This variant is not present in population databases (ExAC no frequency). This variant has not been reported in the literature in individuals with RYR3-related conditions. Algorithms developed to predict the effect of missense changes on protein structure and function (SIFT, PolyPhen-2, Align-GVGD) all suggest that this variant is likely to be tolerated, but these predictions have not been confirmed by published functional studies and their clinical significance is uncertain. In summary, the available evidence is currently insufficient to determine the role of this variant in disease. Therefore, it has been classified as a Variant of Uncertain Significance.

NM_001036.6(RYR3):c.10792G>A (p.Glu3598Lys)

Gene: RYR3 (ryanodine receptor 3; plus strand). Cytogenetic location: 15q14.
Variant type: single nucleotide variant.
Coding change: c.10792G>A on transcript NM_001036.6 (MANE Select); coding-DNA position 10792, G replaced by A.
Protein change: p.Glu3598Lys; replaces glutamic acid 3598 with lysine.
Molecular consequence: missense variant.
Genome position (GRCh38, 1-based): chr15:33,820,789, G>A. VCF-style: chr15-33820789-G-A. GRCh37 (hg19) VCF-style: chr15-34112990-G-A.
Other names: c.10777G>A, p.Glu3593Lys (NM_001243996.4); short protein forms E3598K, E3593K.
Identifiers: ClinVar variation 939506 (VCV000939506.9), dbSNP rs1314124125, ClinGen allele CA391586587.
Genomic context (GRCh38, chr15:33,820,789, plus strand): 5'-CTCCCTTCCCTGCTCCATGAAATCCAGAGTTGTCAAAGTGGTGAGGATGAAGAAGAAGAT[G>A]AAGACAAGGAAAAAACATTCGAAGTAAGTTCTCATGAAGAATAAAAATAGAGCCACCCTC-3'
Protein context (NP_001027.3, residues 3588-3608): CQSGEDEEED[Glu3598Lys]DKEKTFEEKE